The following is an entry in ClinVar:

NM_002332.3(LRP1):c.11196G>C (p.Glu3732Asp)

Gene: LRP1 (LDL receptor related protein 1; plus strand). Cytogenetic location: 12q13.3.
Variant type: single nucleotide variant.
Coding change: c.11196G>C on transcript NM_002332.3 (MANE Select); coding-DNA position 11196, G replaced by C.
Protein change: p.Glu3732Asp; replaces glutamic acid 3732 with aspartic acid.
Molecular consequence: missense variant.
Genome position (GRCh38, 1-based): chr12:57,205,110, G>C. VCF-style: chr12-57205110-G-C. GRCh37 (hg19) VCF-style: chr12-57598893-G-C.
Other names: short protein forms E3732D.
Identifiers: ClinVar variation 4534907 (VCV004534907.6).
Genomic context (GRCh38, chr12:57,205,110, plus strand): 5'-GCCGTGGGAGGAGGAGGCAGGGGAGAATACCCAGGGCCTAAAGCCTCTGCCCTCCTCAGA[G>C]CCCCCCACAGCCCACACCACCCACTGCAAAGACAAGAAGGAGTTTCTGTGCCGGAACCAG-3'
Protein context (NP_002323.2, residues 3722-3742): CGDGTDEEDC[Glu3732Asp]PPTAHTTHCK

ClinVar aggregate classification (germline): Uncertain significance (1 of 4 stars; one submission).

Submission:

CeGaT Center for Human Genetics Tuebingen
Classification: Uncertain significance. Last evaluated: 2025-10-01. Review status: criteria provided, single submitter. Criteria: CeGaT Center For Human Genetics Tuebingen Variant Classification Criteria Version 2. Collection method: clinical testing. Allele origin: germline. Affected: yes. Observed: 1 variant allele.
Comment: LRP1: PM2, BP4